The following is an entry in ClinVar:

ClinVar aggregate classification (germline): Likely benign. Review status: criteria provided, single submitter (1 of 4 stars). 2 submissions from 2 submitters: Likely benign (1). 1 of the submissions does not count toward it. Last evaluated 2023-03-23.

Conditions:
Hereditary cancer-predisposing syndrome. Also called: Tumor predisposition; Neoplastic Syndromes, Hereditary; Hereditary Cancer Syndrome; Hereditary neoplastic syndrome. Identifiers: Orphanet 140162, MedGen C0027672, MeSH D009386, MONDO:0015356.
Breast-ovarian cancer, familial, susceptibility to, 1 (BROVCA1). Also called: OVARIAN CANCER, SUSCEPTIBILITY TO; BRCA1 Hereditary Breast and Ovarian Cancer. Identifiers: Orphanet 145, MedGen C2676676, MONDO:0011450, OMIM 604370. Disease mechanism: loss of function.

Submissions (2):

University of Washington Department of Laboratory Medicine, University of Washington
Classification: Likely benign for Hereditary cancer-predisposing syndrome. Last evaluated: 2023-03-23. Review status: criteria provided, single submitter. Criteria: Dines et al. (Genet Med. 2020). Collection method: curation. Allele origin: germline.
Comment: Missense variant in a coldspot region where missense variants are very unlikely to be pathogenic (PMID:31911673).

BRCA1 coldspot (exon 11 using historical exon numbering). Reclassification based on statistical prior probability

Breast Cancer Information Core (BIC) (BRCA1)
Classification: Uncertain significance for Breast-ovarian cancer, familial 1. Last evaluated: 2005-05-26. Review status: no assertion criteria provided. Collection method: clinical testing. Allele origin: somatic. Affected: yes. Observed: 1 variant allele. Not counted in ClinVar's aggregate classification.

NM_007294.4(BRCA1):c.2899A>T (p.Thr967Ser)

Gene: BRCA1 (BRCA1 DNA repair associated; minus strand). Cytogenetic location: 17q21.31.
Variant type: single nucleotide variant.
Coding change: c.2899A>T on transcript NM_007294.4 (MANE Select); coding-DNA position 2899, A replaced by T.
Protein change: p.Thr967Ser; replaces threonine 967 with serine.
Molecular consequence: missense variant. On other transcripts: intron variant (137).
Genome position (GRCh38, 1-based): chr17:43,092,632, T>A on the plus strand (A>T on the coding strand, the complement: BRCA1 is on the minus strand). VCF-style: chr17-43092632-T-A. GRCh37 (hg19) VCF-style: chr17-41244649-T-A.
Other names: c.2758A>T, p.Thr920Ser (NM_001407730.1, NM_001407731.1, NM_001407732.1 and 29 more transcripts); c.2755A>T, p.Thr919Ser (NM_001407740.1, NM_001407741.1, NM_001407742.1 and 20 more transcripts); c.2686A>T, p.Thr896Ser (NM_001407853.1, NM_001407894.1, NM_001407895.1 and 9 more transcripts); c.2899A>T, p.Thr967Ser (NM_001407854.1, NM_001407858.1, NM_001407859.1 and 30 more transcripts); c.2896A>T, p.Thr966Ser (NM_001407860.1, NM_001407861.1, NM_001407587.1 and 22 more transcripts); c.2698A>T, p.Thr900Ser (NM_001407862.1); c.2776A>T, p.Thr926Ser (NM_001407863.1, NM_001407919.1, NM_001407937.1 and 19 more transcripts); c.2695A>T, p.Thr899Ser (NM_001407874.1, NM_001407875.1); and 41 more; short protein forms T967S, T920S, T671S, T839S, T855S, T856S, T897S, T940S.
Identifiers: ClinVar variation 54711 (VCV000054711.4), dbSNP rs273899690, ClinGen allele CA001888.